The following is an entry in ClinVar:

NM_024675.4(PALB2):c.493G>A (p.Gly165Ser)

Gene: PALB2 (partner and localizer of BRCA2; minus strand). Cytogenetic location: 16p12.2.
Variant type: single nucleotide variant.
Coding change: c.493G>A on transcript NM_024675.4 (MANE Select); coding-DNA position 493, G replaced by A.
Protein change: p.Gly165Ser; replaces glycine 165 with serine.
Molecular consequence: missense variant.
Genome position (GRCh38, 1-based): chr16:23,636,053, C>T on the plus strand (G>A on the coding strand, the complement: PALB2 is on the minus strand). VCF-style: chr16-23636053-C-T. GRCh37 (hg19) VCF-style: chr16-23647374-C-T.
Other names: short protein forms G165S.
Identifiers: ClinVar variation 935626 (VCV000935626.10), dbSNP rs1967043594, ClinGen allele CA395137071.

ClinVar aggregate classification (germline): Uncertain significance (1 of 4 stars; one submission).

Conditions:
Familial cancer of breast. Also called: BREAST CANCER, FAMILIAL; Hereditary breast cancer; hereditary breast carcinoma. Identifiers: Orphanet 227535, MedGen C0346153, MONDO:0016419, OMIM 114480. Disease mechanism: loss of function.

Submission:

Labcorp Genetics (formerly Invitae), Labcorp
Classification: Uncertain significance for Familial cancer of breast. Last evaluated: 2019-09-29. Review status: criteria provided, single submitter. Criteria: Invitae Variant Classification Sherloc (09022015). Collection method: clinical testing. Allele origin: germline.
Comment: In summary, the available evidence is currently insufficient to determine the role of this variant in disease. Therefore, it has been classified as a Variant of Uncertain Significance. Algorithms developed to predict the effect of missense changes on protein structure and function (SIFT, PolyPhen-2, Align-GVGD) all suggest that this variant is likely to be tolerated, but these predictions have not been confirmed by published functional studies and their clinical significance is uncertain. This variant has not been reported in the literature in individuals with PALB2-related conditions. This variant is not present in population databases (ExAC no frequency). This sequence change replaces glycine with serine at codon 165 of the PALB2 protein (p.Gly165Ser). The glycine residue is weakly conserved and there is a small physicochemical difference between glycine and serine.